The following is an entry in ClinVar:

NM_000257.4(MYH7):c.1421A>G (p.Glu474Gly)

Gene: MYH7 (myosin heavy chain 7; minus strand). Cytogenetic location: 14q11.2.
Variant type: single nucleotide variant.
Coding change: c.1421A>G on transcript NM_000257.4 (MANE Select); coding-DNA position 1421, A replaced by G.
Protein change: p.Glu474Gly; replaces glutamic acid 474 with glycine.
Molecular consequence: missense variant.
Genome position (GRCh38, 1-based): chr14:23,428,657, T>C on the plus strand (A>G on the coding strand, the complement: MYH7 is on the minus strand). VCF-style: chr14-23428657-T-C. GRCh37 (hg19) VCF-style: chr14-23897866-T-C.
Other names: c.1421A>G, p.Glu474Gly (NM_001407004.1); short protein forms E474G.
Identifiers: ClinVar variation 4801953 (VCV004801953.1).
Genomic context (GRCh38, chr14:23,428,657, plus strand): 5'-AACATGTGGTGGTTGAAGAACTGCTGCAGCTTCTCGTTGGTGAAGTTGATGCAGAGCTGC[T>C]CAAAGCTGTTGAACTGCAGGGGGCATGAGGGGTGGGAGCAGTCAGAAAGTGGGTGTGAGT-3'
Protein context (NP_000248.2, residues 464-484): GFEIFDFNSF[Glu474Gly]QLCINFTNEK

ClinVar aggregate classification (germline): Uncertain significance (1 of 4 stars; one submission).

Conditions:
Hypertrophic cardiomyopathy. Also called: HYPERTROPHIC MYOCARDIOPATHY. Identifiers: Orphanet 217569, MedGen C0007194, MeSH D002312, MONDO:0005045, HP:0001639.

Submission:

Labcorp Genetics (formerly Invitae), Labcorp
Classification: Uncertain significance for Hypertrophic cardiomyopathy. Last evaluated: 2025-02-22. Review status: criteria provided, single submitter. Criteria: Invitae Variant Classification Sherloc (09022015). Collection method: clinical testing. Allele origin: germline.
Comment: This sequence change replaces glutamic acid, which is acidic and polar, with glycine, which is neutral and non-polar, at codon 474 of the MYH7 protein (p.Glu474Gly). This variant is not present in population databases (gnomAD no frequency). This variant has not been reported in the literature in individuals affected with MYH7-related conditions. Invitae Evidence Modeling of protein sequence and biophysical properties (such as structural, functional, and spatial information, amino acid conservation, physicochemical variation, residue mobility, and thermodynamic stability) indicates that this missense variant is expected to disrupt MYH7 protein function with a positive predictive value of 95%. In summary, the available evidence is currently insufficient to determine the role of this variant in disease. Therefore, it has been classified as a Variant of Uncertain Significance.